The following is an entry in ClinVar:

NM_016729.3(FOLR1):c.724T>A (p.Trp242Arg)

Genes: FOLR1 (folate receptor alpha; plus strand), FOLR1-AS1 (FOLR1 antisense RNA 1; minus strand). Cytogenetic location: 11q13.4.
Variant type: single nucleotide variant.
Coding change: c.724T>A on transcript NM_016729.3 (MANE Select); coding-DNA position 724, T replaced by A.
Protein change: p.Trp242Arg; replaces tryptophan 242 with arginine.
Molecular consequence: missense variant.
Genome position (GRCh38, 1-based): chr11:72,196,127, T>A. VCF-style: chr11-72196127-T-A. GRCh37 (hg19) VCF-style: chr11-71907171-T-A.
Other names: p.W242R:TGG>AGG; c.724T>A, p.Trp242Arg (NM_000802.3, NM_016724.3, NM_016725.3); short protein forms W242R.
Identifiers: ClinVar variation 205459 (VCV000205459.9), dbSNP rs796052445, ClinGen allele CA314556.
Genomic context (GRCh38, chr11:72,196,127, plus strand): 5'-AATGAGGAGGTGGCGAGGTTCTATGCTGCAGCCATGAGTGGGGCTGGGCCCTGGGCAGCC[T>A]GGCCTTTCCTGCTTAGCCTGGCCCTAATGCTGCTGTGGCTGCTCAGCTGACCTCCTTTTA-3'
Protein context (NP_057941.1, residues 232-252): AMSGAGPWAA[Trp242Arg]PFLLSLALML

ClinVar aggregate classification (germline): Uncertain significance. Review status: criteria provided, multiple submitters, no conflicts (2 of 4 stars). 3 submissions from 3 submitters: Uncertain significance (3). Last evaluated 2025-07-11.

Conditions:
Cerebral folate transport deficiency. Also called: Neurodegenerative syndrome due to cerebral folate transport deficiency; FOLR1-Related Cerebral Folate Transport Deficiency; FOLATE RECEPTOR DEFICIENCY; NEURODEGENERATION DUE TO CEREBRAL FOLATE TRANSPORT DEFICIENCY; Cerebral folate deficiency syndrome. Identifiers: Orphanet 217382, MedGen C2751584, MONDO:0013110, OMIM 613068. Disease mechanism: loss of function.

Allele frequency attached by ClinVar (database versions not stated): gnomAD exomes below 0.00001 and 0.00002; TOPMed 0.00002; gnomAD 0.00003.
gnomAD v4.1: 16 of 1,614,066 alleles (0.00099%); highest among the groups gnomAD compares: Middle Eastern, 0.033%; 1 homozygote.

Submissions (3):

GeneDx
Classification: Uncertain significance. Last evaluated: 2025-07-11. Review status: criteria provided, single submitter. Criteria: GeneDx Variant Classification Process June 2021. Collection method: clinical testing. Allele origin: germline. Affected: yes.
Comment: Not observed at significant frequency in large population cohorts (gnomAD); In silico analysis suggests that this missense variant does not alter protein structure/function; Has not been previously published as pathogenic or benign to our knowledge

Labcorp Genetics (formerly Invitae), Labcorp
Classification: Uncertain significance for Cerebral folate transport deficiency. Last evaluated: 2022-08-15. Review status: criteria provided, single submitter. Criteria: Invitae Variant Classification Sherloc (09022015). Collection method: clinical testing. Allele origin: germline.
Comment: This sequence change replaces tryptophan, which is neutral and slightly polar, with arginine, which is basic and polar, at codon 242 of the FOLR1 protein (p.Trp242Arg). This variant is present in population databases (rs796052445, gnomAD 0.0009%). This variant has not been reported in the literature in individuals affected with FOLR1-related conditions. ClinVar contains an entry for this variant (Variation ID: 205459). Algorithms developed to predict the effect of missense changes on protein structure and function are either unavailable or do not agree on the potential impact of this missense change (SIFT: "Tolerated"; PolyPhen-2: "Not Available"; Align-GVGD: "Class C0"). In summary, the available evidence is currently insufficient to determine the role of this variant in disease. Therefore, it has been classified as a Variant of Uncertain Significance.

Fulgent Genetics
Classification: Uncertain significance for Cerebral folate transport deficiency. Last evaluated: 2018-10-31. Review status: criteria provided, single submitter. Criteria: ACMG Guidelines, 2015. Collection method: clinical testing. Allele origin: unknown.